The following is an entry in ClinVar:

ClinVar aggregate classification (germline): Uncertain significance (1 of 4 stars; one submission).

Conditions:
Growth delay due to insulin-like growth factor I resistance. Also called: Insulin-Like Growth Factor I Resistance; Somatomedin end-organ insensitivity to; Somatomedin-c resistance to; IGF-1 resistance; IGF-I RESISTANCE. Identifiers: Orphanet 73273, MedGen C1849157, MONDO:0010038, OMIM 270450.

Submission:

Juno Genomics, Hangzhou Juno Genomics, Inc
Classification: Uncertain significance for Growth delay due to insulin-like growth factor I resistance. Review status: criteria provided, single submitter. Criteria: ACMG Guidelines, 2015. Collection method: clinical testing. Allele origin: germline.
Comment: Absent from controls (or at extremely low frequency if recessive) in Genome Aggregation Database.;Missense variant in a gene that has a low rate of benign missense variation.

NM_000875.5(IGF1R):c.1768G>A (p.Glu590Lys)

Gene: IGF1R (insulin like growth factor 1 receptor; plus strand). Cytogenetic location: 15q26.3.
Variant type: single nucleotide variant.
Coding change: c.1768G>A on transcript NM_000875.5 (MANE Select); coding-DNA position 1768, G replaced by A.
Protein change: p.Glu590Lys; replaces glutamic acid 590 with lysine.
Molecular consequence: missense variant.
Genome position (GRCh38, 1-based): chr15:98,913,222, G>A. VCF-style: chr15-98913222-G-A. GRCh37 (hg19) VCF-style: chr15-99456451-G-A.
Other names: c.1768G>A, p.Glu590Lys (NM_001291858.2); short protein forms E590K.
Identifiers: ClinVar variation 5019225 (VCV005019225.2).